The following is an entry in ClinVar:

NC_000001.10:g.(?_161310364)_(161332223_?)dup

Gene: SDHC (succinate dehydrogenase complex subunit C; plus strand). Cytogenetic location: 1q23.3.
Variant type: Duplication.
Identifiers: ClinVar variation 3247758 (VCV003247758.1).

ClinVar aggregate classification (germline): Uncertain significance (1 of 4 stars; one submission).

Conditions:
Pheochromocytoma/paraganglioma syndrome 3. Also called: GLOMUS TUMORS, FAMILIAL, 3; Paragangliomas 3; SDHC-Related Hereditary Paraganglioma-Pheochromocytoma Syndrome (Paragangliomas 3); SDHC-Related Hereditary Paraganglioma-Pheochromocytoma Syndrome. Identifiers: Orphanet 29072, MedGen C1854336, MONDO:0011544, OMIM 605373.
Gastrointestinal stromal tumor. Also called: Gastrointestinal stromal tumor, somatic; Gastrointestinal stroma tumor. Identifiers: Orphanet 44890, MedGen C0238198, MeSH D046152, MONDO:0011719, OMIM 606764, HP:0100723.

Submission:

Labcorp Genetics (formerly Invitae), Labcorp
Classification: Uncertain significance for Pheochromocytoma/paraganglioma syndrome 3; Gastrointestinal stromal tumor. Last evaluated: 2023-12-31. Review status: criteria provided, single submitter. Criteria: Invitae Variant Classification Sherloc (09022015). Collection method: clinical testing. Allele origin: unknown.
Comment: This variant results in a copy number gain of the genomic region encompassing exon(s) 4-6 of the SDHC gene. This region includes the termination codon of the gene. This copy number gain extends beyond the assayed region for this gene and therefore may encompass additional genes. As the precise location of this event is unknown, it may be in tandem or it may be located elsewhere in the genome. This variant has not been reported in the literature in individuals affected with SDHC-related conditions. Experimental studies and prediction algorithms are not available or were not evaluated, and the functional significance of this variant is currently unknown. In summary, the available evidence is currently insufficient to determine the role of this variant in disease. Therefore, it has been classified as a Variant of Uncertain Significance.